The following is an entry in ClinVar:

NM_001008212.2(OPTN):c.381_382insAG (p.Asp128fs)

Gene: OPTN (optineurin; plus strand). Cytogenetic location: 10p13.
Variant type: Insertion.
Coding change: c.381_382insAG on transcript NM_001008212.2 (MANE Select); coding-DNA positions 381 to 382, AG inserted.
Protein change: p.Asp128fs; shifts the reading frame from aspartic acid 128.
Molecular consequence: frameshift variant.
Genome position: GRCh38 VCF-style: chr10-13112464-T-TAG. GRCh37 (hg19) VCF-style: chr10-13154464-T-TAG.
Other names: p.Asp128Argfs*22; c.381_382insAG, p.Asp128fs (NM_001008211.1, NM_001008213.1, NM_021980.4); short protein forms D128fs.
Identifiers: ClinVar variation 647662 (VCV000647662.56), dbSNP rs774258585, ClinGen allele CA5410605.
Genomic context (GRCh38, chr10:13,112,464, plus strand): 5'-CCAGCCTTAGTTTGATCTGTTCATTCACTTTACTCCTTGTCATCTCCAGGACCCCACTGA[T>TAG]GACTCCAGGCTTCCCAGGGCCGAAGCGGAGCAGGAAAAGGACCAGCTCAGGACCCAGGTG-3'

ClinVar aggregate classification (germline): Pathogenic/Likely pathogenic. Review status: criteria provided, multiple submitters, no conflicts (2 of 4 stars). 9 submissions from 9 submitters: Pathogenic (7); Likely pathogenic (1). 1 of the submissions does not count toward it. Last evaluated 2026-05-15.

Conditions:
Primary open angle glaucoma (POAG). Also called: OPTN-related open angle glaucoma. Identifiers: MedGen C0339573, MONDO:0100553, OMIM 137760.
Amyotrophic lateral sclerosis type 12 (ALS12). Also called: AMYOTROPHIC LATERAL SCLEROSIS 12 WITH OR WITHOUT FRONTOTEMPORAL DEMENTIA. Identifiers: Orphanet 803, MedGen C3150692, MONDO:0013264, OMIM 613435.
Glaucoma 1, open angle, E. Identifiers: MedGen C1842026, MONDO:0007665.
OPTN-related disorder. Also called: OPTN-related condition; OPTN-related disorders.

Allele frequency attached by ClinVar (database versions not stated): gnomAD 0.00004 and 0.00005; gnomAD exomes 0.00007 and 0.00020; TOPMed 0.00007; ExAC 0.00013.

Submissions (9):

PreventionGenetics, part of Exact Sciences
Classification: Pathogenic for OPTN-related condition. Last evaluated: 2026-05-15. Review status: criteria provided, single submitter. Criteria: ACMG Guidelines, 2015. Collection method: clinical testing. Allele origin: germline.
Comment: The OPTN c.381_382insAG variant is predicted to result in a frameshift and premature protein termination (p.Asp128Argfs*22). This variant has been reported as a founder variant in both Ashkenazi Jewish and Moroccan populations and is causative for autosomal recessive amyotrophic lateral sclerosis (ALS, Goldstein et al. 2016. PubMed ID: 26740678). This variant has also been reported in patients with frontotemporal dementia and open angle glaucoma (Pottier et al. 2019. PubMed ID: 30739198; reported as c. 691_692insAG in Table 1, Rezaie et al. 2002. PubMed ID: 11834836). Heterozygous patients have also been shown to be at higher risk for ALS with incomplete penetrance (Goldstein et al. 2016. PubMed ID: 26740678). This variant is reported in 0.37% of alleles in individuals of Ashkenazi Jewish descent in gnomAD. Frameshift variants in OPTN are expected to be pathogenic and this variant has been consistently classified as pathogenic in ClinVar. This variant is interpreted as pathogenic for autosomal recessive forms of ALS.

Labcorp Genetics (formerly Invitae), Labcorp
Classification: Pathogenic for Primary open angle glaucoma; Glaucoma 1, open angle, E; Amyotrophic lateral sclerosis type 12. Last evaluated: 2024-12-12. Review status: criteria provided, single submitter. Criteria: Invitae Variant Classification Sherloc (09022015). Collection method: clinical testing. Allele origin: germline.
Comment: This sequence change creates a premature translational stop signal (p.Asp128Argfs*22) in the OPTN gene. It is expected to result in an absent or disrupted protein product. Loss-of-function variants in OPTN are known to be pathogenic (PMID: 20428114). This variant is present in population databases (rs774258585, gnomAD 0.4%), including at least one homozygous and/or hemizygous individual. This premature translational stop signal has been observed in individual(s) with autosomal recessive amyotrophic lateral sclerosis and/or primary open-angle glaucoma (PMID: 11834836, 17293779, 19172505, 26740678). It has also been observed to segregate with disease in related individuals. This variant is also known as c.691_692insAG. ClinVar contains an entry for this variant (Variation ID: 647662). For these reasons, this variant has been classified as Pathogenic.

Dasa
Classification: Pathogenic. Last evaluated: 2024-10-01. Review status: criteria provided, single submitter. Criteria: DASA Assertion Criteria. Collection method: clinical testing. Allele origin: germline.
Comment: NM_001008212.2(OPTN):c.381_382insAG (p.Asp128Argfs*22) is a frameshift variant in OPTN predicted to alter the reading frame and introduce a premature termination codon and is predicted to result in an absent or altered protein product. Loss of function is an established disease mechanism for OPTN-associated disorders. This variant has been observed in affected individuals with OPTN-related disorders. Also, this variant is rare in population databases. Based on the currently available evidence, this variant is classified as pathogenic.

GeneDx
Classification: Pathogenic. Last evaluated: 2023-08-01. Review status: criteria provided, single submitter. Criteria: GeneDx Variant Classification Process June 2021. Collection method: clinical testing. Allele origin: germline. Affected: yes.
Comment: Published functional studies demonstrate a damaging effect indicating that this alteration results in reduced transferrin uptake, increased apoptotic activity, and atypical nuclear localization (Turturro et al., 2014); Frameshift variant predicted to result in protein truncation or nonsense mediated decay, and in vitro functional analyses demonstrated that this 148 amino acid truncated protein is expressed in the nucleus (Turturro et al., 2014, Liu et al., 2018); This variant is associated with the following publications: (PMID: 30739198, 19172505, 11834836, 31108397, 30519240, 24683533, 26740678, 17293779)

Mayo Clinic Laboratories, Mayo Clinic
Classification: Pathogenic. Last evaluated: 2023-04-13. Review status: criteria provided, single submitter. Criteria: ACMG Guidelines, 2015. Collection method: clinical testing. Allele origin: germline. Observed: 1 variant allele.
Comment: PS3, PS4_moderate, PVS1

Department of Pathology and Laboratory Medicine, Sinai Health System
Classification: Likely pathogenic for Primary open angle glaucoma; Amyotrophic lateral sclerosis type 12. Last evaluated: 2023-01-24. Review status: criteria provided, single submitter. Criteria: ACMG Guidelines, 2015. Collection method: research. Allele origin: germline.

AiLife Diagnostics
Classification: Pathogenic. Last evaluated: 2022-03-24. Review status: criteria provided, single submitter. Criteria: ACMG Guidelines, 2015. Collection method: clinical testing. Allele origin: germline. Affected: yes. Observed: 1 variant allele.

CeGaT Center for Human Genetics Tuebingen
Classification: Pathogenic. Last evaluated: 2021-06-01. Review status: criteria provided, single submitter. Criteria: CeGaT Center For Human Genetics Tuebingen Variant Classification Criteria Version 2. Collection method: clinical testing. Allele origin: germline. Affected: yes. Observed: 1 variant allele.

OMIM
Classification: Pathogenic for GLAUCOMA 1, OPEN ANGLE, E. Last evaluated: 2002-02-08. Review status: no assertion criteria provided. Collection method: literature only. Allele origin: germline. Not counted in ClinVar's aggregate classification.

Literature cited by the submitters: PubMed 20428114 (cited by Labcorp Genetics (formerly Invitae), Labcorp); PubMed 11834836 (cited by 4 submitters); PubMed 17293779 (cited by 3 submitters); PubMed 19172505 (cited by 3 submitters); PubMed 26740678 (cited by 3 submitters); PubMed 24683533 (cited by Mayo Clinic Laboratories, Mayo Clinic and AiLife Diagnostics); PubMed 30519240 (cited by Mayo Clinic Laboratories, Mayo Clinic and AiLife Diagnostics); PubMed 30739198 (cited by Mayo Clinic Laboratories, Mayo Clinic and AiLife Diagnostics); PubMed 31108397 (cited by Mayo Clinic Laboratories, Mayo Clinic and AiLife Diagnostics).